The following is an entry in ClinVar:

NM_020937.4(FANCM):c.4552C>G (p.Leu1518Val)

Gene: FANCM (FA complementation group M; plus strand). Cytogenetic location: 14q21.2.
Variant type: single nucleotide variant.
Coding change: c.4552C>G on transcript NM_020937.4 (MANE Select); coding-DNA position 4552, C replaced by G.
Protein change: p.Leu1518Val; replaces leucine 1518 with valine.
Molecular consequence: missense variant.
Genome position (GRCh38, 1-based): chr14:45,185,253, C>G. VCF-style: chr14-45185253-C-G. GRCh37 (hg19) VCF-style: chr14-45654456-C-G.
Other names: c.4474C>G, p.Leu1492Val (NM_001308133.2); short protein forms L1518V, L1492V.
Identifiers: ClinVar variation 2828546 (VCV002828546.3), dbSNP rs1474340303, ClinGen allele CA389608147.

ClinVar aggregate classification (germline): Uncertain significance (1 of 4 stars; one submission).

Conditions:
Fanconi anemia (FA). Also called: Fanconi's anemia. Identifiers: Orphanet 84, MedGen C0015625, MeSH D005199, MONDO:0019391.

Submission:

Labcorp Genetics (formerly Invitae), Labcorp
Classification: Uncertain significance for Fanconi anemia. Last evaluated: 2023-01-14. Review status: criteria provided, single submitter. Criteria: Invitae Variant Classification Sherloc (09022015). Collection method: clinical testing. Allele origin: germline.
Comment: In summary, the available evidence is currently insufficient to determine the role of this variant in disease. Therefore, it has been classified as a Variant of Uncertain Significance. Algorithms developed to predict the effect of missense changes on protein structure and function output the following: SIFT: "Tolerated"; PolyPhen-2: "Benign"; Align-GVGD: "Class C0". The valine amino acid residue is found in multiple mammalian species, which suggests that this missense change does not adversely affect protein function. This variant has not been reported in the literature in individuals affected with FANCM-related conditions. This variant is not present in population databases (gnomAD no frequency). This sequence change replaces leucine, which is neutral and non-polar, with valine, which is neutral and non-polar, at codon 1518 of the FANCM protein (p.Leu1518Val).